The following is an entry in ClinVar:

ClinVar aggregate classification (germline): Uncertain significance. Review status: criteria provided, multiple submitters, no conflicts (2 of 4 stars). 3 submissions from 3 submitters: Uncertain significance (3). Last evaluated 2025-09-17.

Conditions:
Tuberous sclerosis syndrome (TSC). Also called: Tuberous Sclerosis Complex; Tuberous sclerosis. Identifiers: Orphanet 805, MedGen C0041341, MONDO:0001734.
Tuberous sclerosis 2 (TSC2). Identifiers: Orphanet 805, MedGen C1860707, MONDO:0013199, OMIM 613254.
Hereditary cancer-predisposing syndrome. Also called: Hereditary neoplastic syndrome; Tumor predisposition; Neoplastic Syndromes, Hereditary; Hereditary Cancer Syndrome. Identifiers: Orphanet 140162, MedGen C0027672, MeSH D009386, MONDO:0015356.

Allele frequency attached by ClinVar (database versions not stated): TOPMed below 0.00001; gnomAD 0.00001.
gnomAD v4.1: 32 of 1,612,652 alleles (0.002%); highest among the groups gnomAD compares: Non-Finnish European, 0.0026%; no homozygotes.

Submissions (3):

Ambry Genetics
Classification: Uncertain significance for Hereditary cancer-predisposing syndrome. Last evaluated: 2025-09-17. Review status: criteria provided, single submitter. Criteria: Ambry Variant Classification Scheme 2023. Collection method: clinical testing. Allele origin: germline.
Comment: The p.S1364F variant (also known as c.4091C>T), located in coding exon 33 of the TSC2 gene, results from a C to T substitution at nucleotide position 4091. The serine at codon 1364 is replaced by phenylalanine, an amino acid with highly dissimilar properties. This amino acid position is conserved. In addition, the in silico prediction for this alteration is inconclusive. Since supporting evidence is limited at this time, the clinical significance of this alteration remains unclear.

Labcorp Genetics (formerly Invitae), Labcorp
Classification: Uncertain significance for Tuberous sclerosis 2. Last evaluated: 2024-06-08. Review status: criteria provided, single submitter. Criteria: Invitae Variant Classification Sherloc (09022015). Collection method: clinical testing. Allele origin: germline.
Comment: This sequence change replaces serine, which is neutral and polar, with phenylalanine, which is neutral and non-polar, at codon 1364 of the TSC2 protein (p.Ser1364Phe). This variant is not present in population databases (gnomAD no frequency). This variant has not been reported in the literature in individuals affected with TSC2-related conditions. ClinVar contains an entry for this variant (Variation ID: 2454061). Advanced modeling of protein sequence and biophysical properties (such as structural, functional, and spatial information, amino acid conservation, physicochemical variation, residue mobility, and thermodynamic stability) performed at Invitae indicates that this missense variant is not expected to disrupt TSC2 protein function with a negative predictive value of 95%. In summary, the available evidence is currently insufficient to determine the role of this variant in disease. Therefore, it has been classified as a Variant of Uncertain Significance.

All of Us Research Program, National Institutes of Health
Classification: Uncertain significance for Tuberous sclerosis syndrome. Last evaluated: 2023-08-15. Review status: criteria provided, single submitter. Criteria: ACMG Guidelines, 2015. Collection method: clinical testing. Allele origin: germline. Inheritance: Autosomal dominant inheritance. Observed: 3 variant alleles, 3 heterozygotes.
Comment: This study involves interpretation of variants in research participants for the purpose of population health screening. Participant phenotype was not available at the time of variant classification. Additional details can be found in publication PMID: 35346344, PMCID: PMC8962531

NM_000548.5(TSC2):c.4091C>T (p.Ser1364Phe)

Gene: TSC2 (TSC complex subunit 2; plus strand). Cytogenetic location: 16p13.3.
Variant type: single nucleotide variant.
Coding change: c.4091C>T on transcript NM_000548.5 (MANE Select); coding-DNA position 4091, C replaced by T.
Protein change: p.Ser1364Phe; replaces serine 1364 with phenylalanine.
Molecular consequence: missense variant. On other transcripts: non-coding transcript variant (5).
Genome position (GRCh38, 1-based): chr16:2,084,313, C>T. VCF-style: chr16-2084313-C-T. GRCh37 (hg19) VCF-style: chr16-2134314-C-T.
Other names: c.3890C>T, p.Ser1297Phe (NM_001077183.3); c.4022C>T, p.Ser1341Phe (NM_001114382.3); c.3782C>T, p.Ser1261Phe (NM_001318827.2); c.3746C>T, p.Ser1249Phe (NM_001318829.2); c.3359C>T, p.Ser1120Phe (NM_001318831.2); c.3923C>T, p.Ser1308Phe (NM_001318832.2); c.3893C>T, p.Ser1298Phe (NM_001363528.2); c.3959C>T, p.Ser1320Phe (NM_001370404.1); and 26 more; short protein forms S1097F, S1098F, S1249F, S1291F, S1293F, S1304F, S1363F, S849F.
Identifiers: ClinVar variation 2454061 (VCV002454061.6), dbSNP rs1245757559, ClinGen allele CA394299464.